The following is an entry in ClinVar:

ClinVar aggregate classification (germline): Conflicting classifications of pathogenicity. Review status: criteria provided, conflicting classifications (1 of 4 stars). 4 submissions from 4 submitters: Uncertain significance (1); Likely benign (2). 1 of the submissions does not count toward it. Last evaluated 2022-07-08.

Conditions:
Epidermolysis bullosa, junctional 2B, severe. Also called: EPIDERMOLYSIS BULLOSA, JUNCTIONAL 2B, GENERALIZED SEVERE; EPIDERMOLYSIS BULLOSA, JUNCTIONAL 2B, HERLITZ TYPE. Identifiers: MedGen C5676937, MONDO:0030747, OMIM 619784.
Epidermolysis bullosa, junctional 2A, intermediate. Also called: EPIDERMOLYSIS BULLOSA, JUNCTIONAL 2A, GENERALIZED INTERMEDIATE; EPIDERMOLYSIS BULLOSA, JUNCTIONAL 2A, NON-HERLITZ TYPE. Identifiers: MedGen C5676936, MONDO:0030746, OMIM 619783.
Laryngo-onycho-cutaneous syndrome (JEB2C). Also called: EPIDERMOLYSIS BULLOSA, JUNCTIONAL 2C, LARYNGOONYCHOCUTANEOUS; SHABBIR SYNDROME; LOGIC SYNDROME. Identifiers: Orphanet 2407, MedGen C1328355, MONDO:0009513, OMIM 245660.
Junctional epidermolysis bullosa gravis of Herlitz. Also called: EPIDERMOLYSIS BULLOSA, JUNCTIONAL 1B, SEVERE; EPIDERMOLYSIS BULLOSA JUNCTIONALIS, HERLITZ TYPE; EPIDERMOLYSIS BULLOSA, JUNCTIONAL, HERLITZ-PEARSON TYPE; JEB-HERLITZ TYPE; Epidermolysis Bullosa Letalis; Herlitz-type junctional epidermolysis bullosa. Identifiers: Orphanet 79404, MedGen C0079683, MONDO:0009182, OMIM 226700.

Allele frequency attached by ClinVar (database versions not stated): gnomAD 0.00006 and 0.00007; gnomAD exomes 0.00008 and 0.00013; TOPMed 0.00012; ExAC 0.00013; 1000 Genomes Project 30x 0.00016; 1000 Genomes Project 0.00020.
gnomAD v4.1: 129 of 1,613,956 alleles (0.008%); highest among the groups gnomAD compares: East Asian, 0.21%; 1 homozygote.

Submissions (4):

Labcorp Genetics (formerly Invitae), Labcorp
Classification: Likely benign. Last evaluated: 2022-07-08. Review status: criteria provided, single submitter. Criteria: Invitae Variant Classification Sherloc (09022015). Collection method: clinical testing. Allele origin: germline.

Fulgent Genetics
Classification: Uncertain significance for Junctional epidermolysis bullosa gravis of Herlitz; Laryngo-onycho-cutaneous syndrome; Epidermolysis bullosa, junctional 2A, intermediate; Epidermolysis bullosa, junctional 2B, severe. Last evaluated: 2021-12-15. Review status: criteria provided, single submitter. Criteria: ACMG Guidelines, 2015. Collection method: clinical testing. Allele origin: unknown.

Juno Genomics, Hangzhou Juno Genomics, Inc
Classification: Likely benign for Epidermolysis bullosa, junctional 2A, intermediate; Epidermolysis bullosa, junctional 2B, severe; Laryngo-onycho-cutaneous syndrome. Review status: criteria provided, single submitter. Criteria: ACMG Guidelines, 2015. Collection method: clinical testing. Allele origin: germline.
Comment: Absent from controls (or at extremely low frequency if recessive) in Genome Aggregation Database.;Observed in a healthy adult individual for a recessive/dominant/X-linked disorder with full penetrance.

Counsyl
Classification: Uncertain significance for Junctional epidermolysis bullosa gravis of Herlitz. Last evaluated: 2017-04-06. Review status: no assertion criteria provided. Collection method: clinical testing. Allele origin: unknown. Not counted in ClinVar's aggregate classification.

Literature cited by the submitters: PubMed 26635394 (cited by Counsyl).

NM_198129.4(LAMA3):c.4750C>T (p.Arg1584Ter)

Gene: LAMA3 (laminin subunit alpha 3; plus strand). Cytogenetic location: 18q11.2.
Variant type: single nucleotide variant.
Coding change: c.4750C>T on transcript NM_198129.4 (MANE Select); coding-DNA position 4750, C replaced by T.
Protein change: p.Arg1584Ter; replaces arginine 1584 with a stop codon.
Molecular consequence: nonsense.
Genome position (GRCh38, 1-based): chr18:23,867,900, C>T. VCF-style: chr18-23867900-C-T. GRCh37 (hg19) VCF-style: chr18-21447864-C-T.
Other names: c.4750C>T, p.Arg1584Ter (NM_001127717.4); short protein forms R1584*.
Identifiers: ClinVar variation 551372 (VCV000551372.7), dbSNP rs552326056, ClinGen allele CA8915715.
Genomic context (GRCh38, chr18:23,867,900, plus strand): 5'-CACATGTCCATCATCTATGAGGAGACAAACACCCCACGGCCAGACCGGCTGCATCATGGA[C>T]GAGTGCACGTGGTCGAGGTAAAGGAAGAGCAACCATAGGATGGTCCTTTCTGTTTTGTGA-3'